The following is an entry in ClinVar:

NM_006939.4(SOS2):c.2814C>T (p.Thr938=)

Gene: SOS2 (SOS Ras/Rho guanine nucleotide exchange factor 2; minus strand). Cytogenetic location: 14q21.3.
Variant type: single nucleotide variant.
Coding change: c.2814C>T on transcript NM_006939.4 (MANE Select); coding-DNA position 2814, C replaced by T.
Protein change: p.Thr938=; no amino-acid change (threonine 938 retained).
Molecular consequence: synonymous variant.
Genome position (GRCh38, 1-based): chr14:50,138,756, G>A on the plus strand (C>T on the coding strand, the complement: SOS2 is on the minus strand). VCF-style: chr14-50138756-G-A. GRCh37 (hg19) VCF-style: chr14-50605474-G-A.
Other names: c.2715C>T, p.Thr905= (NM_001411020.1); c.2814C>T (NM_006939.2).
Identifiers: ClinVar variation 2037857 (VCV002037857.8), dbSNP rs781439593, ClinGen allele CA7176931.

ClinVar aggregate classification (germline): Likely benign. Review status: criteria provided, multiple submitters, no conflicts (2 of 4 stars). 4 submissions from 4 submitters: Likely benign (3). 1 of the submissions does not count toward it. Last evaluated 2025-11-12.

Conditions:
Noonan syndrome 9 (NS9). Identifiers: Orphanet 648, MedGen C4225282, MONDO:0014691, OMIM 616559.
SOS2-related disorder. Also called: SOS2-related condition.
Cardiovascular phenotype. Identifiers: MedGen CN230736.

Allele frequency attached by ClinVar (database versions not stated): ExAC 0.00002; gnomAD exomes 0.00002; gnomAD 0.00003.
gnomAD v4.1: 20 of 1,039,802 alleles (0.0019%); highest among the groups gnomAD compares: South Asian, 0.0077%; no homozygotes.

Submissions (4):

Labcorp Genetics (formerly Invitae), Labcorp
Classification: Likely benign for Noonan syndrome 9. Last evaluated: 2025-11-12. Review status: criteria provided, single submitter. Criteria: Invitae Variant Classification Sherloc (09022015). Collection method: clinical testing. Allele origin: germline.

Ambry Genetics
Classification: Likely benign for Cardiovascular phenotype. Last evaluated: 2025-04-14. Review status: criteria provided, single submitter. Criteria: Ambry Variant Classification Scheme 2023. Collection method: clinical testing. Allele origin: germline.

Women's Health and Genetics/Laboratory Corporation of America, LabCorp
Classification: Likely benign. Last evaluated: 2024-02-19. Review status: criteria provided, single submitter. Criteria: LabCorp Variant Classification Summary - May 2015. Collection method: clinical testing. Allele origin: germline.

PreventionGenetics, part of Exact Sciences
Classification: Likely benign for SOS2-related condition. Last evaluated: 2020-07-23. Review status: no assertion criteria provided. Collection method: clinical testing. Allele origin: germline. Not counted in ClinVar's aggregate classification.
Comment: This variant is classified as likely benign based on ACMG/AMP sequence variant interpretation guidelines (Richards et al. 2015 PMID: 25741868, with internal and published modifications).